The following is an entry in ClinVar:

ClinVar aggregate classification (germline): Uncertain significance (1 of 4 stars; one submission).

Submission:

Dasa
Classification: Uncertain significance. Last evaluated: 2024-12-06. Review status: criteria provided, single submitter. Criteria: DASA Assertion Criteria. Collection method: clinical testing. Allele origin: germline.
Comment: NM_015559.3(SETBP1):c.2539T>G (p.Ser847Ala) is a missense variant that results in the substitution of serine with alanine. This variant is absent from population databases. Computational prediction algorithms are consistent with a benign effect. The currently available literature and clinical evidence are not sufficient to establish a definitive association between this variant and the reported condition. Therefore, this variant is classified as a variant of uncertain significance.

NM_015559.3(SETBP1):c.2539T>G (p.Ser847Ala)

Gene: SETBP1 (SET binding protein 1; plus strand). Cytogenetic location: 18q12.3.
Variant type: single nucleotide variant.
Coding change: c.2539T>G on transcript NM_015559.3 (MANE Select); coding-DNA position 2539, T replaced by G.
Protein change: p.Ser847Ala; replaces serine 847 with alanine.
Molecular consequence: missense variant.
Genome position (GRCh38, 1-based): chr18:44,951,879, T>G. VCF-style: chr18-44951879-T-G. GRCh37 (hg19) VCF-style: chr18-42531844-T-G.
Other names: c.2539T>G, p.Ser847Ala (NM_001379141.1, NM_001379142.1, NM_001410862.1); short protein forms S847A.
Identifiers: ClinVar variation 4886059 (VCV004886059.2).